The following is an entry in ClinVar:

NM_003072.5(SMARCA4):c.2274+8A>G

Gene: SMARCA4 (SWI/SNF related BAF chromatin remodeling complex subunit ATPase 4; plus strand). Cytogenetic location: 19p13.2.
Variant type: single nucleotide variant.
Coding change: c.2274+8A>G on transcript NM_003072.5 (MANE Select); 8 bases into the intron after coding-DNA position 2274, A replaced by G.
Molecular consequence: intron variant.
Genome position (GRCh38, 1-based): chr19:11,010,539, A>G. VCF-style: chr19-11010539-A-G. GRCh37 (hg19) VCF-style: chr19-11121215-A-G.
Other names: c.2274+8A>G (NM_001128844.3, NM_001128849.3, NM_001128847.4 and 6 more transcripts).
Identifiers: ClinVar variation 1553953 (VCV001553953.11), dbSNP rs773310711, ClinGen allele CA2573155667.

ClinVar aggregate classification (germline): Likely benign. Review status: criteria provided, multiple submitters, no conflicts (2 of 4 stars). 3 submissions from 3 submitters: Likely benign (2). 1 of the submissions does not count toward it. Last evaluated 2026-07-07.

Conditions:
SMARCA4-related disorder. Also called: SMARCA4-related condition.
Rhabdoid tumor predisposition syndrome 2 (RTPS2). Identifiers: Orphanet 231108, Orphanet 69077, MedGen C2750074, MONDO:0013224, OMIM 613325.

Submissions (3):

Myriad Genetics, Inc.
Classification: Likely benign for Rhabdoid tumor predisposition syndrome 2. Last evaluated: 2026-07-07. Review status: criteria provided, single submitter. Criteria: Myriad Autosomal Dominant, Autosomal Recessive and X-Linked Classification Criteria (2023). Collection method: clinical testing. Allele origin: unknown.
Comment: This variant is considered likely benign. This variant is intronic and is not expected to impact mRNA splicing.

Labcorp Genetics (formerly Invitae), Labcorp
Classification: Likely benign for Rhabdoid tumor predisposition syndrome 2. Last evaluated: 2024-03-01. Review status: criteria provided, single submitter. Criteria: Invitae Variant Classification Sherloc (09022015). Collection method: clinical testing. Allele origin: germline.

PreventionGenetics, part of Exact Sciences
Classification: Likely benign for SMARCA4-related condition. Last evaluated: 2022-05-19. Review status: no assertion criteria provided. Collection method: clinical testing. Allele origin: germline. Not counted in ClinVar's aggregate classification.
Comment: This variant is classified as likely benign based on ACMG/AMP sequence variant interpretation guidelines (Richards et al. 2015 PMID: 25741868, with internal and published modifications).